The following is an entry in ClinVar:

ClinVar aggregate classification (germline): Benign. Review status: reviewed by expert panel (3 of 4 stars). 21 submissions from 20 submitters: Benign (1). 20 of the submissions do not count toward it. Last evaluated 2026-11-19.

Conditions:
BRCA2-related cancer predisposition. Identifiers: MedGen CN377758, MONDO:0700269.
BRCA2-related disorder. Also called: BRCA2-related condition; BRCA2-related disorders. Identifiers: MedGen CN239275.
Hereditary cancer-predisposing syndrome. Also called: Hereditary Cancer Syndrome; Hereditary neoplastic syndrome; Neoplastic Syndromes, Hereditary; Tumor predisposition. Identifiers: Orphanet 140162, MedGen C0027672, MeSH D009386, MONDO:0015356.
Breast neoplasm. Also called: Neoplasm of the breast; Breast Neoplasms; Neoplasm of breast; Breast tumor. Identifiers: MedGen C1458155, MeSH D001943, MONDO:0021100, HP:0100013. Disease mechanism: gain of function.
Ovarian cancer. Also called: OVARIAN CANCER, SOMATIC. Identifiers: Orphanet 213500, MedGen C1140680, MONDO:0008170, OMIM 167000.
Hereditary breast ovarian cancer syndrome. Also called: Breast and ovarian cancer; BRCA1- and BRCA2-Associated Hereditary Breast and Ovarian Cancer; Hereditary breast and/or ovarian cancer syndrome; Hereditary breast and ovarian cancer; Hereditary breast and ovarian cancer syndrome; Hereditary breast and ovarian cancer syndrome (HBOC). Identifiers: Orphanet 145, MedGen C0677776, MeSH D061325, MONDO:0003582. Disease mechanism: loss of function.
Fanconi anemia complementation group D1. Also called: BRCA2-Related Fanconi Anemia. Identifiers: Orphanet 319462, MedGen C1838457, MONDO:0011584, OMIM 605724.
Breast-ovarian cancer, familial, susceptibility to, 2 (BROVCA2). Also called: BRCA2 Hereditary Breast and Ovarian Cancer. Identifiers: Orphanet 145, MedGen C2675520, MONDO:0012933, OMIM 612555. Disease mechanism: loss of function.
Malignant tumor of breast. Also called: Cancer breast; Malignant breast neoplasm. Identifiers: MedGen C0006142, MONDO:0007254. Disease mechanism: loss of function.

Allele frequency attached by ClinVar (database versions not stated): TOPMed 0.00003; ExAC 0.00006; gnomAD 0.00008 and 0.00001; 1000 Genomes Project 30x 0.00047; gnomAD exomes 0.00020 and 0.00004; 1000 Genomes Project 0.00060.
gnomAD v4.1: 293 of 1,588,614 alleles (0.018%); highest among the groups gnomAD compares: East Asian, 0.65%; no homozygotes.

Submissions 1 to 14 of 21:

ClinGen ENIGMA BRCA1 and BRCA2 Variant Curation Expert Panel, ClinGen
Classification: Benign for BRCA2-related cancer predisposition. Last evaluated: 2026-11-19. Review status: reviewed by expert panel. Criteria: CSpec BRCA1/2ACMG Rules Specifications V1.2. Collection method: curation. Allele origin: germline. Inheritance: Autosomal dominant inheritance.
Comment: The c.964A>C variant in BRCA2 is a missense variant predicted to cause substitution of Lysine by Glutamine at amino acid 322 (p.(Lys322Gln)). The Total GrpMax filtering allele frequency (the lower threshold of the 95% CI) in gnomAD v4.1 is 0.0059 in the East Asian genetic ancestry group (based on 291/44770 alleles) which is above the ENIGMA BRCA1/2 VCEP threshold (>0.001) for BA1 (BA1 met). In summary, this variant meets the criteria to be classified as a Benign variant for BRCA2-related cancer predisposition based on the ACMG/AMP criteria applied as specified by the ENIGMA BRCA1/2 VCEP (BA1).

Labcorp Genetics (formerly Invitae), Labcorp
Classification: Benign for Hereditary breast ovarian cancer syndrome. Last evaluated: 2026-01-28. Review status: criteria provided, single submitter. Criteria: Invitae Variant Classification Sherloc (09022015). Collection method: clinical testing. Allele origin: germline. Not counted in ClinVar's aggregate classification.

PreventionGenetics, part of Exact Sciences
Classification: Likely benign for BRCA2-related condition. Last evaluated: 2026-01-05. Review status: criteria provided, single submitter. Criteria: ACMG Guidelines, 2015. Collection method: clinical testing. Allele origin: germline. Not counted in ClinVar's aggregate classification.
Comment: This variant is classified as likely benign based on ACMG/AMP sequence variant interpretation guidelines (Richards et al. 2015 PMID: 25741868, with internal and published modifications).

Quest Diagnostics Nichols Institute San Juan Capistrano
Classification: Likely benign. Last evaluated: 2023-03-28. Review status: criteria provided, single submitter. Criteria: Quest Diagnostics criteria. Collection method: clinical testing. Allele origin: unknown. Not counted in ClinVar's aggregate classification.

University of Washington Department of Laboratory Medicine, University of Washington
Classification: Likely benign for Hereditary cancer-predisposing syndrome. Last evaluated: 2023-03-23. Review status: criteria provided, single submitter. Criteria: Dines et al. (Genet Med. 2020). Collection method: curation. Allele origin: germline. Not counted in ClinVar's aggregate classification.
Comment: Missense variant in a coldspot region where missense variants are very unlikely to be pathogenic (PMID:31911673).

BRCA2 exon 10 coldspot. Reclassification based on statistical prior probability.

GeneDx
Classification: Likely benign. Last evaluated: 2020-02-21. Review status: criteria provided, single submitter. Criteria: GeneDx Variant Classification Process June 2021. Collection method: clinical testing. Allele origin: germline. Affected: yes. Not counted in ClinVar's aggregate classification.
Comment: In silico analysis supports that this missense variant does not alter protein structure/function; This variant is associated with the following publications: (PMID: 8840963, 25802882, 20104584, 23729402, 24884479, 26332594, 22703879, 21520273, 19016756, 21218378, 15168169, 27600092, 22771033, 28111427, 26692440, 29770616, 30415210, 29802286, 31131967)

Mendelics
Classification: Likely benign for Breast-ovarian cancer, familial, susceptibility to, 2. Last evaluated: 2019-05-28. Review status: criteria provided, single submitter. Criteria: Mendelics Assertion Criteria 2017. Collection method: clinical testing. Allele origin: unknown. Not counted in ClinVar's aggregate classification.

Illumina Laboratory Services, Illumina
Classification: Benign for Fanconi anemia complementation group D1. Last evaluated: 2017-04-30. Review status: criteria provided, single submitter. Criteria: ICSL Variant Classification Criteria 13 December 2019. Collection method: clinical testing. Allele origin: germline. Not counted in ClinVar's aggregate classification.
Comment: This variant was observed as part of a predisposition screen in an ostensibly healthy population. A literature search was performed for the gene, cDNA change, and amino acid change (where applicable). No publications were found based on this search. Allele frequency data from public databases was too high to be consistent with this variant causing disease. Therefore, this variant is classified as benign.

Illumina Laboratory Services, Illumina
Classification: Benign for Breast-ovarian cancer, familial, susceptibility to, 2. Last evaluated: 2017-04-30. Review status: criteria provided, single submitter. Criteria: ICSL Variant Classification Criteria 13 December 2019. Collection method: clinical testing. Allele origin: germline. Not counted in ClinVar's aggregate classification.
Comment: This variant was observed as part of a predisposition screen in an ostensibly healthy population. A literature search was performed for the gene, cDNA change, and amino acid change (where applicable). Publications were found based on this search. The evidence from the literature, in combination with allele frequency data from public databases where available, was sufficient to rule this variant out of causing disease. Therefore, this variant is classified as benign.

Women's Health and Genetics/Laboratory Corporation of America, LabCorp
Classification: Likely benign. Last evaluated: 2017-02-09. Review status: criteria provided, single submitter. Criteria: LabCorp Variant Classification Summary - May 2015. Collection method: clinical testing. Allele origin: germline. Not counted in ClinVar's aggregate classification.
Comment: Variant summary: The BRCA2 c.964A>C (p.Lys322Gln) variant involves the alteration of a conserved nucleotide. 3/5 in silico tools predict a damaging outcome for this variant. This variant was found in 30/123662 control chromosomes, predominantly in the East Asian cohort, 29/10878 (0.0027), which does exceed the estimated maximal expected allele frequency of a pathogenic BRCA2 variant (0.0007503). Therefore, suggesting that the variant is a polymorphism found most frequently in population(s) of East Asian origin. In addition, the variant has been reported in 2 unaffected individuals (Carnery_2010), showing evidence for lack of co-segregation. Also multiple clinical diagnostic laboratories/reputable databases classified this variant as likely benign. Taken together, this variant is classified as likely benign.

Color Diagnostics, LLC DBA Color Health
Classification: Likely benign for Hereditary cancer-predisposing syndrome. Last evaluated: 2016-11-03. Review status: criteria provided, single submitter. Criteria: ACMG Guidelines, 2015. Collection method: clinical testing. Allele origin: germline. Not counted in ClinVar's aggregate classification.

Laboratory for Molecular Medicine, Mass General Brigham Personalized Medicine
Classification: Likely benign. Last evaluated: 2016-10-27. Review status: criteria provided, single submitter. Criteria: LMM Criteria. Collection method: clinical testing. Allele origin: germline. Not counted in ClinVar's aggregate classification.
Comment: Variant identified in a genome or exome case(s) and assessed due to predicted null impact of the variant or pathogenic assertions in the literature or databases. Disclaimer: This variant has not undergone full assessment. The following are preliminary notes: This variant has been reported in 11 patients with breast cancer (7 of whom were Asian), 1 patient with hepatocellular carcinoma, and 1 patient with no history of cancer. It is present in ExAC with a Max MAF of 0.35%. At this frequency a pathogenic role is unlikely. It is classified as LB/B by 5 submitters in ClinVar with 1 star (Invitae, GeneDx, Ambry, Counsyl, SCRP) and as VUS by BIC and Biesecker lab.

Ambry Genetics
Classification: Benign for Hereditary cancer-predisposing syndrome. Last evaluated: 2015-03-01. Review status: criteria provided, single submitter. Criteria: Ambry Variant Classification Scheme 2023. Collection method: clinical testing. Allele origin: germline. Not counted in ClinVar's aggregate classification.

Counsyl
Classification: Likely benign for Breast-ovarian cancer, familial 2. Last evaluated: 2014-10-16. Review status: no assertion criteria provided. Collection method: literature only. Allele origin: unknown. Inheritance: Autosomal dominant inheritance. Not counted in ClinVar's aggregate classification.

NM_000059.4(BRCA2):c.964A>C (p.Lys322Gln)

Gene: BRCA2 (BRCA2 DNA repair associated; plus strand). Cytogenetic location: 13q13.1.
Variant type: single nucleotide variant.
Coding change: c.964A>C on transcript NM_000059.4 (MANE Select); coding-DNA position 964, A replaced by C.
Protein change: p.Lys322Gln; replaces lysine 322 with glutamine.
Molecular consequence: missense variant.
Genome position (GRCh38, 1-based): chr13:32,332,442, A>C. VCF-style: chr13-32332442-A-C. GRCh37 (hg19) VCF-style: chr13-32906579-A-C.
Other names: p.K322Q:AAA>CAA; NM_000059.4(BRCA2):c.964A>C; 1192A>C; short protein forms K322Q.
Identifiers: ClinVar variation 38258 (VCV000038258.38), dbSNP rs11571640, ClinGen allele CA026258.